The following is an entry in ClinVar:

ClinVar aggregate classification (germline): Likely benign (1 of 4 stars; one submission).

Conditions:
SLC51A-related disorder. Also called: SLC51A-related condition.

Submission:

PreventionGenetics, part of Exact Sciences
Classification: Likely benign for SLC51A-related condition. Last evaluated: 2026-09-04. Review status: criteria provided, single submitter. Criteria: ACMG Guidelines, 2015. Collection method: clinical testing. Allele origin: germline.
Comment: This variant is classified as likely benign based on ACMG/AMP sequence variant interpretation guidelines (Richards et al. 2015 PMID: 25741868, with internal and published modifications).

NM_152672.6(SLC51A):c.21G>A (p.Gln7=)

Gene: SLC51A (solute carrier family 51 member A; plus strand). Cytogenetic location: 3q29.
Variant type: single nucleotide variant.
Coding change: c.21G>A on transcript NM_152672.6 (MANE Select); coding-DNA position 21, G replaced by A.
Protein change: p.Gln7=; no amino-acid change (glutamine 7 retained).
Molecular consequence: synonymous variant.
Genome position (GRCh38, 1-based): chr3:196,216,733, G>A. VCF-style: chr3-196216733-G-A. GRCh37 (hg19) VCF-style: chr3-195943604-G-A.
Identifiers: ClinVar variation 4993771 (VCV004993771.1).
Genomic context (GRCh38, chr3:196,216,733, plus strand): 5'-TCACCCCGGTGCCTGCGGGATTGCTGGAGAGAACGCGGCGATGGAGCCGGGCAGGACCCA[G>A]ATAAAGCTTGACCCCAGGTAAGTGAGGGCGGCGGGCCCTGGGCCAGTCGCTGGGCAGCGG-3'
Protein context (NP_689885.4, residues 1-17): MEPGRT[Gln7=]IKLDPRYTAD